The following is an entry in ClinVar:

ClinVar aggregate classification (germline): Uncertain significance. Review status: criteria provided, multiple submitters, no conflicts (2 of 4 stars). 2 submissions from 2 submitters: Uncertain significance (2). Last evaluated 2023-02-24.

Conditions:
Spastic paraplegia. Identifiers: MedGen C0037772, HP:0001258.

Allele frequency attached by ClinVar (database versions not stated): gnomAD exomes 0.00001 and 0.00002; ExAC 0.00003; TOPMed 0.00005; gnomAD 0.00006; 1000 Genomes Project 30x 0.00031; 1000 Genomes Project 0.00040.
gnomAD v4.1: 28 of 1,614,082 alleles (0.0017%); highest among the groups gnomAD compares: African/African-American, 0.028%; no homozygotes.

Submissions (2):

Mayo Clinic Laboratories, Mayo Clinic
Classification: Uncertain significance. Last evaluated: 2023-02-24. Review status: criteria provided, single submitter. Criteria: ACMG Guidelines, 2015. Collection method: clinical testing. Allele origin: germline. Observed: 1 variant allele.
Comment: BP4

Labcorp Genetics (formerly Invitae), Labcorp
Classification: Uncertain significance for Spastic paraplegia. Last evaluated: 2021-08-26. Review status: criteria provided, single submitter. Criteria: Invitae Variant Classification Sherloc (09022015). Collection method: clinical testing. Allele origin: germline.
Comment: This sequence change replaces arginine with cysteine at codon 514 of the GBA2 protein (p.Arg514Cys). The arginine residue is weakly conserved and there is a large physicochemical difference between arginine and cysteine. This variant is present in population databases (rs115051365, ExAC 0.02%). This variant has not been reported in the literature in individuals affected with GBA2-related conditions. Algorithms developed to predict the effect of missense changes on protein structure and function output the following: SIFT: "Tolerated"; PolyPhen-2: "Benign"; Align-GVGD: "Class C0". The cysteine amino acid residue is found in multiple mammalian species, which suggests that this missense change does not adversely affect protein function. In summary, the available evidence is currently insufficient to determine the role of this variant in disease. Therefore, it has been classified as a Variant of Uncertain Significance.

NM_020944.3(GBA2):c.1540C>T (p.Arg514Cys)

Gene: GBA2 (glucosylceramidase beta 2; minus strand). Cytogenetic location: 9p13.3.
Variant type: single nucleotide variant.
Coding change: c.1540C>T on transcript NM_020944.3 (MANE Select); coding-DNA position 1540, C replaced by T.
Protein change: p.Arg514Cys; replaces arginine 514 with cysteine.
Molecular consequence: missense variant.
Genome position (GRCh38, 1-based): chr9:35,739,670, G>A on the plus strand (C>T on the coding strand, the complement: GBA2 is on the minus strand). VCF-style: chr9-35739670-G-A. GRCh37 (hg19) VCF-style: chr9-35739667-G-A.
Other names: p.Arg514Cys; c.1540C>T, p.Arg514Cys (NM_001330660.2); short protein forms R514C.
Identifiers: ClinVar variation 933439 (VCV000933439.8), dbSNP rs115051365, ClinGen allele CA5050376.
Genomic context (GRCh38, chr9:35,739,670, plus strand): 5'-CCCACCAGCATCCTGTACCCTCAAGGTAGCCAAATCGACCGTAGTCCCGTAGGGTGGGGC[G>A]GAGGTGACACATGTTTCTGCCCAGCTCCTCTGGTAGGGAGTCCTCAAGAACTTCCAGCCA-3'
Protein context (NP_065995.1, residues 504-524): EELGRNMCHL[Arg514Cys]PTLRDYGRFG